The following is an entry in ClinVar:

NM_015981.4(CAMK2A):c.1204G>A (p.Gly402Ser)

Gene: CAMK2A (calcium/calmodulin dependent protein kinase II alpha; minus strand). Cytogenetic location: 5q32.
Variant type: single nucleotide variant.
Coding change: c.1204G>A on transcript NM_015981.4 (MANE Select); coding-DNA position 1204, G replaced by A.
Protein change: p.Gly402Ser; replaces glycine 402 with serine.
Molecular consequence: missense variant.
Genome position (GRCh38, 1-based): chr5:150,228,225, C>T on the plus strand (G>A on the coding strand, the complement: CAMK2A is on the minus strand). VCF-style: chr5-150228225-C-T. GRCh37 (hg19) VCF-style: chr5-149607788-C-T.
Other names: c.1204G>A, p.Gly402Ser (NM_001363989.1); c.1171G>A, p.Gly391Ser (NM_001363990.1, NM_001369025.2, NM_171825.3); short protein forms G391S, G402S.
Identifiers: ClinVar variation 3370814 (VCV003370814.1).
Genomic context (GRCh38, chr5:150,228,225, plus strand): 5'-GCACCACAGAGAGAAGGAATTGCTCACGGTTTTCAAAATAGAATCGATGGAAGTCCAGGC[C>T]CTCAACCAGGTTCCCCAGGGCCTCAGGTTCGAAGGCTGTCATGCCAGGGTCGCACATCTT-3'
Protein context (NP_057065.2, residues 392-412): EPEALGNLVE[Gly402Ser]LDFHRFYFEN

ClinVar aggregate classification (germline): Uncertain significance (1 of 4 stars; one submission).

Submission:

GeneDx
Classification: Uncertain significance. Last evaluated: 2024-03-13. Review status: criteria provided, single submitter. Criteria: GeneDx Variant Classification Process June 2021. Collection method: clinical testing. Allele origin: germline. Affected: yes.
Comment: Not observed at significant frequency in large population cohorts (gnomAD); In silico analysis supports that this missense variant has a deleterious effect on protein structure/function; Has not been previously published as pathogenic or benign to our knowledge